The following is an entry in ClinVar:

NM_001130009.3(GEN1):c.2005C>G (p.Leu669Val)

Gene: GEN1 (GEN1 Holliday junction 5' flap endonuclease; plus strand). Cytogenetic location: 2p24.2.
Variant type: single nucleotide variant.
Coding change: c.2005C>G on transcript NM_001130009.3 (MANE Select); coding-DNA position 2005, C replaced by G.
Protein change: p.Leu669Val; replaces leucine 669 with valine.
Molecular consequence: missense variant.
Genome position (GRCh38, 1-based): chr2:17,781,217, C>G. VCF-style: chr2-17781217-C-G. GRCh37 (hg19) VCF-style: chr2-17962484-C-G.
Other names: c.2005C>G, p.Leu669Val (NM_182625.5); short protein forms L669V.
Identifiers: ClinVar variation 4262983 (VCV004262983.1).

ClinVar aggregate classification (germline): Uncertain significance (1 of 4 stars; one submission).

gnomAD v4.1: 2 of 1,613,232 alleles (0.00012%); highest among the groups gnomAD compares: Admixed American, 0.0017%; no homozygotes.

Submission:

Ambry Genetics
Classification: Uncertain significance. Last evaluated: 2025-06-19. Review status: criteria provided, single submitter. Criteria: Ambry Variant Classification Scheme 2023. Collection method: clinical testing. Allele origin: germline.
Comment: The p.L669V variant (also known as c.2005C>G), located in coding exon 13 of the GEN1 gene, results from a C to G substitution at nucleotide position 2005. The leucine at codon 669 is replaced by valine, an amino acid with highly similar properties. This amino acid position is conserved. In addition, this alteration is predicted to be tolerated by in silico analysis. Based on the available evidence, the clinical significance of this variant remains unclear.